The following is an entry in ClinVar:

NM_000069.3(CACNA1S):c.1694T>A (p.Leu565Gln)

Gene: CACNA1S (calcium voltage-gated channel subunit alpha1 S; minus strand). Cytogenetic location: 1q32.1.
Variant type: single nucleotide variant.
Coding change: c.1694T>A on transcript NM_000069.3 (MANE Select); coding-DNA position 1694, T replaced by A.
Protein change: p.Leu565Gln; replaces leucine 565 with glutamine.
Molecular consequence: missense variant.
Genome position (GRCh38, 1-based): chr1:201,077,053, A>T on the plus strand (T>A on the coding strand, the complement: CACNA1S is on the minus strand). VCF-style: chr1-201077053-A-T. GRCh37 (hg19) VCF-style: chr1-201046181-A-T.
Other names: short protein forms L565Q.
Identifiers: ClinVar variation 1683420 (VCV001683420.2), dbSNP rs2102142533, ClinGen allele CA344120209.

ClinVar aggregate classification (germline): Uncertain significance. Review status: criteria provided, multiple submitters, no conflicts (2 of 4 stars). 2 submissions from 2 submitters: Uncertain significance (2). Last evaluated 2026-07-06.

Conditions:
Inborn genetic diseases. Identifiers: MedGen C0950123, MeSH D030342.

Submissions (2):

Ambry Genetics
Classification: Uncertain significance for Inborn genetic diseases. Last evaluated: 2026-07-06. Review status: criteria provided, single submitter. Criteria: Ambry Variant Classification Scheme 2023. Collection method: clinical testing. Allele origin: germline.
Comment: The p.L565Q variant (also known as c.1694T>A), located in coding exon 12 of the CACNA1S gene, results from a T to A substitution at nucleotide position 1694. The leucine at codon 565 is replaced by glutamine, an amino acid with dissimilar properties. This amino acid position is conserved. In addition, this alteration is predicted to be deleterious by in silico analysis. Based on the available evidence, the clinical significance of this variant remains unclear.

Women's Health and Genetics/Laboratory Corporation of America, LabCorp
Classification: Uncertain significance. Last evaluated: 2022-04-19. Review status: criteria provided, single submitter. Criteria: LabCorp Variant Classification Summary - May 2015. Collection method: clinical testing. Allele origin: germline.
Comment: Variant summary: CACNA1S c.1694T>A (p.Leu565Gln) results in a non-conservative amino acid change located in the Ion transport domain of the encoded protein sequence. Five of five in-silico tools predict a damaging effect of the variant on protein function. The variant was absent in 251480 control chromosomes. The available data on variant occurrences in the general population are insufficient to allow any conclusion about variant significance. To our knowledge, no occurrence of c.1694T>A in individuals affected with Hypokalemic Periodic Paralysis and no experimental evidence demonstrating its impact on protein function have been reported. No clinical diagnostic laboratories have submitted clinical-significance assessments for this variant to ClinVar after 2014. Based on the evidence outlined above, the variant was classified as uncertain significance.